The following is an entry in ClinVar:

NM_001363711.2(DUOX2):c.4141G>A (p.Val1381Met)

Gene: DUOX2 (dual oxidase 2; minus strand). Cytogenetic location: 15q21.1.
Variant type: single nucleotide variant.
Coding change: c.4141G>A on transcript NM_001363711.2 (MANE Select); coding-DNA position 4141, G replaced by A.
Protein change: p.Val1381Met; replaces valine 1381 with methionine.
Molecular consequence: missense variant.
Genome position (GRCh38, 1-based): chr15:45,095,535, C>T on the plus strand (G>A on the coding strand, the complement: DUOX2 is on the minus strand). VCF-style: chr15-45095535-C-T. GRCh37 (hg19) VCF-style: chr15-45387733-C-T.
Other names: c.4141G>A, p.Val1381Met (NM_014080.5); short protein forms V1381M.
Identifiers: ClinVar variation 2167464 (VCV002167464.3), dbSNP rs746015710, ClinGen allele CA7537612.

ClinVar aggregate classification (germline): Uncertain significance (1 of 4 stars; one submission).

Allele frequency attached by ClinVar (database versions not stated): ExAC 0.00002.
gnomAD v4.1: 22 of 1,614,126 alleles (0.0014%); highest among the groups gnomAD compares: Admixed American, 0.037%; no homozygotes.

Submission:

Labcorp Genetics (formerly Invitae), Labcorp
Classification: Uncertain significance. Last evaluated: 2026-02-01. Review status: criteria provided, single submitter. Criteria: Invitae Variant Classification Sherloc (09022015). Collection method: clinical testing. Allele origin: germline.
Comment: This sequence change replaces valine, which is neutral and non-polar, with methionine, which is neutral and non-polar, at codon 1381 of the DUOX2 protein (p.Val1381Met). This variant is present in population databases (rs746015710, gnomAD 0.05%). This variant has not been reported in the literature in individuals affected with DUOX2-related conditions. ClinVar contains an entry for this variant (Variation ID: 2167464). Invitae Evidence Modeling of protein sequence and biophysical properties (such as structural, functional, and spatial information, amino acid conservation, physicochemical variation, residue mobility, and thermodynamic stability) indicates that this missense variant is expected to disrupt DUOX2 protein function with a positive predictive value of 80%. In summary, the available evidence is currently insufficient to determine the role of this variant in disease. Therefore, it has been classified as a Variant of Uncertain Significance.